The following is an entry in ClinVar:

ClinVar aggregate classification (germline): Uncertain significance. Review status: criteria provided, multiple submitters, no conflicts (2 of 4 stars). 2 submissions from 2 submitters: Uncertain significance (2). Last evaluated 2023-12-28.

Conditions:
Inborn genetic diseases. Identifiers: MedGen C0950123, MeSH D030342.

Allele frequency attached by ClinVar (database versions not stated): gnomAD 0.00001; gnomAD exomes 0.00001.
gnomAD v4.1: 10 of 1,614,026 alleles (0.00062%); highest among the groups gnomAD compares: Non-Finnish European, 0.00085%; no homozygotes.

Submissions (2):

Ambry Genetics
Classification: Uncertain significance for Inborn genetic diseases. Last evaluated: 2023-12-28. Review status: criteria provided, single submitter. Criteria: Ambry Variant Classification Scheme 2023. Collection method: clinical testing. Allele origin: germline.

GeneDx
Classification: Uncertain significance. Last evaluated: 2016-09-13. Review status: criteria provided, single submitter. Criteria: GeneDx Variant Classification (06012015). Collection method: clinical testing. Allele origin: germline. Affected: yes.
Comment: A variant of uncertain significance has been identified in the ANK3 gene. The D1980G variant has not been published as a pathogenic variant, nor has it been reported as a benign variant to our knowledge. It was not observed in approximately 6,500 individuals of European and African American ancestry in the NHLBI Exome Sequencing Project, indicating it is not a common benign variant in these populations. The D1980G variant is a non-conservative amino acid substitution, which is likely to impact secondary protein structure as these residues differ in polarity, charge, size and/or other properties. Additionally, this substitution occurs at a position that is conserved in mammals. However, in silico analysis is inconsistent in its predictions as to whether or not the D1980G variant is damaging to the protein structure/function. Based on the currently available information, it is unclear whether this variant is a pathogenic variant or a rare benign variant.

NM_020987.5(ANK3):c.5939A>G (p.Asp1980Gly)

Gene: ANK3 (ankyrin 3; minus strand). Cytogenetic location: 10q21.2.
Variant type: single nucleotide variant.
Coding change: c.5939A>G on transcript NM_020987.5 (MANE Select); coding-DNA position 5939, A replaced by G.
Protein change: p.Asp1980Gly; replaces aspartic acid 1980 with glycine.
Molecular consequence: missense variant. On other transcripts: intron variant (4).
Genome position (GRCh38, 1-based): chr10:60,074,942, T>C on the plus strand (A>G on the coding strand, the complement: ANK3 is on the minus strand). VCF-style: chr10-60074942-T-C. GRCh37 (hg19) VCF-style: chr10-61834700-T-C.
Other names: c.4387+5595A>G (NM_001204403.2); c.4408+5595A>G (NM_001204404.2); c.4405+5595A>G (NM_001320874.2); c.1807+5595A>G (NM_001149.4); short protein forms D1980G.
Identifiers: ClinVar variation 388969 (VCV000388969.3), dbSNP rs1057523290, ClinGen allele CA16605651.